The following is an entry in ClinVar:

NM_016507.4(CDK12):c.301G>A (p.Gly101Arg)

Genes: CDK12 (cyclin dependent kinase 12; plus strand), LOC126862553 (CDK7 strongly-dependent group 2 enhancer GRCh37_chr17:37618166-37619365; plus strand). Cytogenetic location: 17q12.
Variant type: single nucleotide variant.
Coding change: c.301G>A on transcript NM_016507.4 (MANE Select); coding-DNA position 301, G replaced by A.
Protein change: p.Gly101Arg; replaces glycine 101 with arginine.
Molecular consequence: missense variant.
Genome position (GRCh38, 1-based): chr17:39,462,372, G>A. VCF-style: chr17-39462372-G-A. GRCh37 (hg19) VCF-style: chr17-37618625-G-A.
Other names: c.301G>A, p.Gly101Arg (NM_015083.4); short protein forms G101R.
Identifiers: ClinVar variation 4224264 (VCV004224264.1).

ClinVar aggregate classification (germline): Uncertain significance (1 of 4 stars; one submission).

Submission:

Ambry Genetics
Classification: Uncertain significance. Last evaluated: 2025-07-07. Review status: criteria provided, single submitter. Criteria: Ambry Variant Classification Scheme 2023. Collection method: clinical testing. Allele origin: germline.
Comment: The p.G101R variant (also known as c.301G>A), located in coding exon 1 of the CDK12 gene, results from a G to A substitution at nucleotide position 301. The glycine at codon 101 is replaced by arginine, an amino acid with dissimilar properties. This amino acid position is conserved. In addition, this alteration is predicted to be tolerated by in silico analysis. Based on the available evidence, the clinical significance of this variant remains unclear.